The following is an entry in ClinVar:

NM_015102.5(NPHP4):c.1470C>T (p.Leu490=)

Gene: NPHP4 (nephrocystin 4; minus strand). Cytogenetic location: 1p36.31.
Variant type: single nucleotide variant.
Coding change: c.1470C>T on transcript NM_015102.5 (MANE Select); coding-DNA position 1470, C replaced by T.
Protein change: p.Leu490=; no amino-acid change (leucine 490 retained).
Molecular consequence: synonymous variant. On other transcripts: non-coding transcript variant (1), intron variant (2).
Genome position (GRCh38, 1-based): chr1:5,909,185, G>A on the plus strand (C>T on the coding strand, the complement: NPHP4 is on the minus strand). VCF-style: chr1-5909185-G-A. GRCh37 (hg19) VCF-style: chr1-5969245-G-A.
Other names: p.Leu490=; c.76-3402C>T (NM_001291594.2); c.76-3405C>T (NM_001291593.2).
Identifiers: ClinVar variation 260543 (VCV000260543.26), dbSNP rs12116997, ClinGen allele CA554488.

ClinVar aggregate classification (germline): Benign/Likely benign. Review status: criteria provided, multiple submitters, no conflicts (2 of 4 stars). 12 submissions from 11 submitters: Benign (9); Likely benign (1). 2 of the submissions do not count toward it. Last evaluated 2026-02-03.

Conditions:
Senior-Loken syndrome 4 (SLSN4). Identifiers: Orphanet 3156, MedGen C1846979, MONDO:0011756, OMIM 606996.
Nephronophthisis 4 (NPHP4). Also called: NEPHRONOPHTHISIS 4, JUVENILE. Identifiers: Orphanet 655, MedGen C1847013, MONDO:0011752, OMIM 606966.
Kidney disorder. Also called: Kidney disease; Kidney Diseases; renal disorder; Nephropathy; renal disease. Identifiers: MedGen C0022658, MONDO:0005240, HP:0000112.
Nephronophthisis. Also called: Juvenile Nephronophthisis. Identifiers: Orphanet 655, MedGen C0687120, MONDO:0019005, HP:0000090.

Allele frequency attached by ClinVar (database versions not stated): gnomAD exomes 0.02731 and 0.02920; 1000 Genomes Project 0.04453; gnomAD 0.04565 and 0.04804; 1000 Genomes Project 30x 0.04575; ESP Exome Variant Server 0.04646; TOPMed 0.04655; ExAC 0.05315.
gnomAD v4.1: 46,738 of 1,603,376 alleles (2.9%); highest among the groups gnomAD compares: African/African-American, 10%; 989 homozygotes.

Submissions (12):

Labcorp Genetics (formerly Invitae), Labcorp
Classification: Benign for Nephronophthisis. Last evaluated: 2026-02-03. Review status: criteria provided, single submitter. Criteria: Invitae Variant Classification Sherloc (09022015). Collection method: clinical testing. Allele origin: germline.

Blueprint Genetics
Classification: Likely benign. Last evaluated: 2024-11-26. Review status: criteria provided, single submitter. Criteria: ACMG Guidelines, 2015. Collection method: clinical testing. Allele origin: germline.

Genome-Nilou Lab
Classification: Benign for Nephronophthisis 4. Last evaluated: 2023-04-11. Review status: criteria provided, single submitter. Criteria: ACMG Guidelines, 2015. Collection method: clinical testing. Allele origin: germline. Affected: no.

Mayo Clinic Laboratories, Mayo Clinic
Classification: Benign. Last evaluated: 2022-10-17. Review status: criteria provided, single submitter. Criteria: ACMG Guidelines, 2015. Collection method: clinical testing. Allele origin: germline. Observed: 58 variant alleles.

GeneDx
Classification: Benign. Last evaluated: 2021-05-04. Review status: criteria provided, single submitter. Criteria: GeneDx Variant Classification Process June 2021. Collection method: clinical testing. Allele origin: germline. Affected: yes.

Genome Diagnostics Laboratory, The Hospital for Sick Children
Classification: Benign for Kidney disorder. Last evaluated: 2018-07-01. Review status: criteria provided, single submitter. Criteria: ACMG Guidelines, 2015. Collection method: clinical testing. Allele origin: germline.

Illumina Laboratory Services, Illumina
Classification: Benign for Senior-Loken syndrome 4. Last evaluated: 2018-01-13. Review status: criteria provided, single submitter. Criteria: ICSL Variant Classification Criteria 13 December 2019. Collection method: clinical testing. Allele origin: germline.
Comment: This variant was observed in the ICSL laboratory as part of a predisposition screen in an ostensibly healthy population. It had not been previously curated by ICSL or reported in the Human Gene Mutation Database (HGMD: prior to June 1st, 2018), and was therefore a candidate for classification through an automated scoring system. Utilizing variant allele frequency, disease prevalence and penetrance estimates, and inheritance mode, an automated score was calculated to assess if this variant is too frequent to cause the disease. Based on the score and internal cut-off values, a variant classified as benign is not then subjected to further curation. The score for this variant resulted in a classification of benign for this disease.

Illumina Laboratory Services, Illumina
Classification: Benign for Nephronophthisis 4. Last evaluated: 2018-01-13. Review status: criteria provided, single submitter. Criteria: ICSL Variant Classification Criteria 13 December 2019. Collection method: clinical testing. Allele origin: germline.
Comment: the same text as in the submission from Illumina Laboratory Services, Illumina above.

Breakthrough Genomics
Classification: Benign. Review status: criteria provided, single submitter. Criteria: ACMG Guidelines, 2015. Collection method: not provided. Allele origin: germline. Inheritance: Autosomal recessive inheritance. Affected: yes.

PreventionGenetics, part of Exact Sciences
Classification: Benign. Review status: criteria provided, single submitter. Criteria: ACMG Guidelines, 2015. Collection method: clinical testing. Allele origin: germline.

Clinical Genetics DNA and cytogenetics Diagnostics Lab, Erasmus MC, Erasmus Medical Center
Classification: Benign. Review status: no assertion criteria provided. Collection method: clinical testing. Allele origin: germline. Affected: yes. Study: VKGL Data-share Consensus. Not counted in ClinVar's aggregate classification.

Genome Diagnostics Laboratory, University Medical Center Utrecht
Classification: Benign. Review status: no assertion criteria provided. Collection method: clinical testing. Allele origin: germline. Affected: yes. Study: VKGL Data-share Consensus. Not counted in ClinVar's aggregate classification.